The following is an entry in ClinVar:

NM_001142800.2(EYS):c.877G>T (p.Val293Leu)

Gene: EYS (EGF-like photoreceptor maintenance factor; minus strand). Cytogenetic location: 6q12.
Variant type: single nucleotide variant.
Coding change: c.877G>T on transcript NM_001142800.2 (MANE Select); coding-DNA position 877, G replaced by T.
Protein change: p.Val293Leu; replaces valine 293 with leucine.
Molecular consequence: missense variant.
Genome position (GRCh38, 1-based): chr6:65,405,353, C>A on the plus strand (G>T on the coding strand, the complement: EYS is on the minus strand). VCF-style: chr6-65405353-C-A. GRCh37 (hg19) VCF-style: chr6-66115246-C-A.
Other names: c.877G>T, p.Val293Leu (NM_001142801.2, NM_001292009.2, NM_198283.2); short protein forms V293L.
Identifiers: ClinVar variation 1372538 (VCV001372538.6), dbSNP rs756070544, ClinGen allele CA3877932.

ClinVar aggregate classification (germline): Uncertain significance (1 of 4 stars; one submission).

Allele frequency attached by ClinVar (database versions not stated): ExAC 0.00001; gnomAD 0.00001.
gnomAD v4.1: 5 of 1,608,860 alleles (0.00031%); highest among the groups gnomAD compares: African/African-American, 0.0014%; no homozygotes.

Submission:

Labcorp Genetics (formerly Invitae), Labcorp
Classification: Uncertain significance. Last evaluated: 2021-08-04. Review status: criteria provided, single submitter. Criteria: Invitae Variant Classification Sherloc (09022015). Collection method: clinical testing. Allele origin: germline.
Comment: This variant is present in population databases (rs756070544, ExAC 0.006%). This sequence change replaces valine with leucine at codon 293 of the EYS protein (p.Val293Leu). The valine residue is weakly conserved and there is a small physicochemical difference between valine and leucine. This variant has not been reported in the literature in individuals affected with EYS-related conditions. In summary, the available evidence is currently insufficient to determine the role of this variant in disease. Therefore, it has been classified as a Variant of Uncertain Significance. Algorithms developed to predict the effect of missense changes on protein structure and function (SIFT, PolyPhen-2, Align-GVGD) all suggest that this variant is likely to be tolerated.